The following is an entry in ClinVar:

ClinVar aggregate classification (germline): Uncertain significance. Review status: criteria provided, multiple submitters, no conflicts (2 of 4 stars). 2 submissions from 2 submitters: Uncertain significance (2). Last evaluated 2022-06-30.

Conditions:
Brain small vessel disease 2A, autosomal dominant. Also called: Porencephaly 2. Identifiers: Orphanet 2940, Orphanet 99810, MedGen C3280970, MONDO:0013773, OMIM 614483.

Submissions (2):

GeneDx
Classification: Uncertain significance. Last evaluated: 2022-06-30. Review status: criteria provided, single submitter. Criteria: GeneDx Variant Classification Process June 2021. Collection method: clinical testing. Allele origin: germline. Affected: yes.
Comment: Not observed at significant frequency in large population cohorts (gnomAD); In silico analysis supports that this missense variant has a deleterious effect on protein structure/function; Has not been previously published as pathogenic or benign to our knowledge

New York Genome Center
Classification: Uncertain significance for Brain small vessel disease 2A, autosomal dominant. Last evaluated: 2020-05-08. Review status: criteria provided, single submitter. Criteria: NYGC Assertion Criteria 2020. Collection method: clinical testing. Allele origin: inherited. Observed: 1 heterozygote. Study: CSER-NYCKidSeq.

NM_001846.4(COL4A2):c.4453A>G (p.Ser1485Gly)

Genes: COL4A2 (collagen type IV alpha 2 chain; plus strand), COL4A2-AS1 (COL4A2 antisense RNA 1; minus strand). Cytogenetic location: 13q34.
Variant type: single nucleotide variant.
Coding change: c.4453A>G on transcript NM_001846.4 (MANE Select); coding-DNA position 4453, A replaced by G.
Protein change: p.Ser1485Gly; replaces serine 1485 with glycine.
Molecular consequence: missense variant.
Genome position (GRCh38, 1-based): chr13:110,506,465, A>G. VCF-style: chr13-110506465-A-G. GRCh37 (hg19) VCF-style: chr13-111158812-A-G.
Other names: short protein forms S1485G.
Identifiers: ClinVar variation 1325564 (VCV001325564.2), dbSNP rs753103440, ClinGen allele CA388739686.